The following is an entry in ClinVar:

ClinVar aggregate classification (germline): Uncertain significance (1 of 4 stars; one submission).

Conditions:
Cardiovascular phenotype. Identifiers: MedGen CN230736.

Submission:

Ambry Genetics
Classification: Uncertain significance for Cardiovascular phenotype. Last evaluated: 2026-02-19. Review status: criteria provided, single submitter. Criteria: Ambry Variant Classification Scheme 2023. Collection method: clinical testing. Allele origin: germline.
Comment: The p.V1884E variant (also known as c.5651T>A), located in coding exon 2 of the ZNF469 gene, results from a T to A substitution at nucleotide position 5651. The valine at codon 1884 is replaced by glutamic acid, an amino acid with dissimilar properties. This amino acid position is conserved. In addition, this alteration is predicted to be tolerated by in silico analysis. Based on the available evidence, the clinical significance of this variant remains unclear.

NM_001127464.1:c.5651T>A

Gene: ZNF469 (zinc finger protein 469; plus strand).
Variant type: single nucleotide variant.
Identifiers: ClinVar variation 4845034 (VCV004845034.1).